The following is an entry in ClinVar:

NM_000548.5(TSC2):c.2879C>G (p.Ser960Cys)

Gene: TSC2 (TSC complex subunit 2; plus strand). Cytogenetic location: 16p13.3.
Variant type: single nucleotide variant.
Coding change: c.2879C>G on transcript NM_000548.5 (MANE Select); coding-DNA position 2879, C replaced by G.
Protein change: p.Ser960Cys; replaces serine 960 with cysteine.
Molecular consequence: missense variant. On other transcripts: intron variant (9).
Genome position (GRCh38, 1-based): chr16:2,077,639, C>G. VCF-style: chr16-2077639-C-G. GRCh37 (hg19) VCF-style: chr16-2127640-C-G.
Other names: c.2879C>G, p.Ser960Cys (NM_001114382.3); c.2837+1054C>G (NM_021055.3, NM_001370405.1, NM_001363528.2 and 2 more transcripts); c.2726+1054C>G (NM_001318827.2); c.2237+1054C>G (NM_001318831.2); c.2690+1054C>G (NM_001318829.2); c.2870+1054C>G (NM_001318832.2); short protein forms S960C.
Identifiers: ClinVar variation 660343 (VCV000660343.9), dbSNP rs397514898, ClinGen allele CA394281004.

ClinVar aggregate classification (germline): Conflicting classifications of pathogenicity. Review status: criteria provided, conflicting classifications (1 of 4 stars). 2 submissions from 2 submitters: Uncertain significance (1); Benign (1). Last evaluated 2024-12-15.

Conditions:
Hereditary cancer-predisposing syndrome. Also called: Neoplastic Syndromes, Hereditary; Hereditary neoplastic syndrome; Tumor predisposition; Hereditary Cancer Syndrome. Identifiers: Orphanet 140162, MedGen C0027672, MeSH D009386, MONDO:0015356.
Tuberous sclerosis 2 (TSC2). Identifiers: Orphanet 805, MedGen C1860707, MONDO:0013199, OMIM 613254.

Allele frequency attached by ClinVar (database versions not stated): gnomAD exomes below 0.00001.
gnomAD v4.1: 2 of 1,613,156 alleles (0.00012%); highest among the groups gnomAD compares: Non-Finnish European, 0.000085%; no homozygotes.

Submissions (2):

Ambry Genetics
Classification: Uncertain significance for Hereditary cancer-predisposing syndrome. Last evaluated: 2024-12-15. Review status: criteria provided, single submitter. Criteria: Ambry Variant Classification Scheme 2023. Collection method: clinical testing. Allele origin: germline.
Comment: The p.S960C variant (also known as c.2879C>G), located in coding exon 25 of the TSC2 gene, results from a C to G substitution at nucleotide position 2879. The serine at codon 960 is replaced by cysteine, an amino acid with dissimilar properties. This amino acid position is conserved. In addition, the in silico prediction for this alteration is inconclusive. Based on the available evidence, the clinical significance of this variant remains unclear.

Labcorp Genetics (formerly Invitae), Labcorp
Classification: Benign for Tuberous sclerosis 2. Last evaluated: 2022-12-06. Review status: criteria provided, single submitter. Criteria: Invitae Variant Classification Sherloc (09022015). Collection method: clinical testing. Allele origin: germline.